The following is an entry in ClinVar:

ClinVar aggregate classification (germline): Uncertain significance (1 of 4 stars; one submission).

gnomAD v4.1: 31 of 1,613,836 alleles (0.0019%); highest among the groups gnomAD compares: Admixed American, 0.012%; no homozygotes.

Submission:

GeneDx
Classification: Uncertain significance. Last evaluated: 2024-02-07. Review status: criteria provided, single submitter. Criteria: GeneDx Variant Classification Process June 2021. Collection method: clinical testing. Allele origin: germline. Affected: yes.
Comment: In silico analysis supports that this missense variant has a deleterious effect on protein structure/function; Has not been previously published as pathogenic or benign to our knowledge

NM_005529.7(HSPG2):c.4930G>A (p.Gly1644Ser)

Gene: HSPG2 (heparan sulfate proteoglycan 2; minus strand). Cytogenetic location: 1p36.12.
Variant type: single nucleotide variant.
Coding change: c.4930G>A on transcript NM_005529.7 (MANE Select); coding-DNA position 4930, G replaced by A.
Protein change: p.Gly1644Ser; replaces glycine 1644 with serine.
Molecular consequence: missense variant.
Genome position (GRCh38, 1-based): chr1:21,861,782, C>T on the plus strand (G>A on the coding strand, the complement: HSPG2 is on the minus strand). VCF-style: chr1-21861782-C-T. GRCh37 (hg19) VCF-style: chr1-22188275-C-T.
Other names: c.4933G>A, p.Gly1645Ser (NM_001291860.2); short protein forms G1644S, G1645S.
Identifiers: ClinVar variation 3340559 (VCV003340559.1).